The following is an entry in ClinVar:

ClinVar aggregate classification (germline): Benign/Likely benign. Review status: criteria provided, multiple submitters, no conflicts (2 of 4 stars). 2 submissions from 2 submitters: Benign (1); Likely benign (1). Last evaluated 2025-12-26.

Conditions:
KLC2-related disorder. Also called: KLC2-related condition.

Allele frequency attached by ClinVar (database versions not stated): ESP Exome Variant Server 0.00015; gnomAD exomes 0.00019 and 0.00051; gnomAD 0.00039 and 0.00043; ExAC 0.00052; TOPMed 0.00056; 1000 Genomes Project 30x 0.00109; 1000 Genomes Project 0.00140.
gnomAD v4.1: 393 of 1,613,656 alleles (0.024%); highest among the groups gnomAD compares: East Asian, 0.59%; 1 homozygote.

Submissions (2):

PreventionGenetics, part of Exact Sciences
Classification: Likely benign for KLC2-related condition. Last evaluated: 2025-12-26. Review status: criteria provided, single submitter. Criteria: ACMG Guidelines, 2015. Collection method: clinical testing. Allele origin: germline.
Comment: This variant is classified as likely benign based on ACMG/AMP sequence variant interpretation guidelines (Richards et al. 2015 PMID: 25741868, with internal and published modifications).

Labcorp Genetics (formerly Invitae), Labcorp
Classification: Benign. Last evaluated: 2022-03-01. Review status: criteria provided, single submitter. Criteria: Invitae Variant Classification Sherloc (09022015). Collection method: clinical testing. Allele origin: germline.

NM_001318734.2(KLC2):c.1277G>A (p.Arg426Gln)

Genes: KLC2 (kinesin light chain 2; plus strand), KLC2-AS1 (KLC2 antisense RNA 1; minus strand). Cytogenetic location: 11q13.2.
Variant type: single nucleotide variant.
Coding change: c.1277G>A on transcript NM_001318734.2 (MANE Select); coding-DNA position 1277, G replaced by A.
Protein change: p.Arg426Gln; replaces arginine 426 with glutamine.
Molecular consequence: missense variant.
Genome position (GRCh38, 1-based): chr11:66,265,178, G>A. VCF-style: chr11-66265178-G-A. GRCh37 (hg19) VCF-style: chr11-66032649-G-A.
Other names: c.1046G>A, p.Arg349Gln (NM_001134774.2); c.1277G>A, p.Arg426Gln (NM_001134775.2, NM_001134776.2, NM_022822.3); c.1046G>A (NM_001134774.1); short protein forms R426Q, R349Q.
Identifiers: ClinVar variation 744590 (VCV000744590.11), dbSNP rs143495132, ClinGen allele CA6117380.